The following is an entry in ClinVar:

NM_014208.3(DSPP):c.2317del (p.Ser773fs)

Genes: DMP1-AS1 (DMP1 and DSPP antisense RNA 1; minus strand), DSPP (dentin sialophosphoprotein; plus strand). Cytogenetic location: 4q22.1.
Variant type: Deletion.
Coding change: c.2317del on transcript NM_014208.3 (MANE Select); coding-DNA position 2317, one base deleted (A; older notation c.2317delA).
Protein change: p.Ser773fs; shifts the reading frame from serine 773.
Molecular consequence: frameshift variant.
Genome position (GRCh38, 1-based): chr4:87,614,979, A deleted. VCF-style (leftmost placement, unchanged base first): chr4-87614978-CA-C. GRCh37 (hg19) VCF-style: chr4-88536130-CA-C.
Other names: c.2317delA (NM_014208.3); short protein forms S773fs.
Identifiers: ClinVar variation 2579753 (VCV002579753.2), dbSNP rs2475884550, ClinGen allele CA2580617934.

ClinVar aggregate classification (germline): Pathogenic (1 of 4 stars; one submission).

Conditions:
Dentinogenesis imperfecta type 2 (DGI1). Also called: CAPDEPONT TEETH; OPALESCENT DENTIN; OPALESCENT TEETH WITHOUT OSTEOGENESIS IMPERFECTA; Dentinogenesis imperfecta without osteogenesis imperfecta; Hereditary Opalescent Dentin; Dentinogenesis imperfecta - Shield's type II. Identifiers: Orphanet 166260, MedGen C2973527, MONDO:0007441, OMIM 125490. Disease mechanism: loss of function.

Submission:

Center of Excellence in Precision Medicine and Digital Health (CEPMDH), Faculty of Dentistry, Chulalongkorn University
Classification: Pathogenic for Dentinogenesis imperfecta type 2. Review status: criteria provided, single submitter. Criteria: ACMG Guidelines, 2015. Collection method: clinical testing. Allele origin: germline. Inheritance: Autosomal dominant inheritance. Affected: yes. Observed: 3 variant alleles, 3 heterozygotes. Clinical features observed: Dentinogenesis imperfecta (HP:0000703).
Comment: The c.2317del frameshift variant in DSPP was found in 1 Thai family with autosomal dominant dentinogenesis imperfecta type II. This variant was segregated with the disease in 3 affected individuals. Song et al. (2008) has reported about 5 unrelated Chinese families with dentinogenesis imperfecta type II identified 5 different heterozygous frameshift mutations in the DSPP gene. In summary, the c.2317del is classified as pathogenic based on ACMG guideline.